The following is an entry in ClinVar:

NM_000535.7(PMS2):c.341T>C (p.Leu114Pro)

Gene: PMS2 (PMS1 homolog 2, mismatch repair system component; minus strand). Cytogenetic location: 7p22.1.
Variant type: single nucleotide variant.
Coding change: c.341T>C on transcript NM_000535.7 (MANE Select); coding-DNA position 341, T replaced by C.
Protein change: p.Leu114Pro; replaces leucine 114 with proline.
Molecular consequence: missense variant. On other transcripts: 5 prime UTR variant (25), non-coding transcript variant (1), intron variant (21).
Genome position (GRCh38, 1-based): chr7:6,003,702, A>G on the plus strand (T>C on the coding strand, the complement: PMS2 is on the minus strand). VCF-style: chr7-6003702-A-G. GRCh37 (hg19) VCF-style: chr7-6043333-A-G.
Other names: c.-65T>C (NM_001018040.1, NM_001322003.2, NM_001322004.2 and 14 more transcripts); c.341T>C, p.Leu114Pro (NM_001322006.2, NM_001322014.2, NM_001406869.1 and 8 more transcripts); c.-544T>C (NM_001322011.2, NM_001322012.2); c.-144T>C (NM_001322015.2, NM_001406875.1, NM_001406877.1 and 3 more transcripts); c.527T>C, p.Leu176Pro (NM_001406866.1); c.365T>C, p.Leu122Pro (NM_001406868.1); c.-55T>C (NM_001406890.1); c.35+270T>C (NM_001322008.2, NM_001406902.1, NM_001406883.1 and 4 more transcripts); and 5 more; short protein forms L114P, L122P, L176P.
Identifiers: ClinVar variation 3232025 (VCV003232025.1), dbSNP rs2128826260, ClinGen allele CA366744547.

ClinVar aggregate classification (germline): Uncertain significance (1 of 4 stars; one submission).

Conditions:
Hereditary cancer-predisposing syndrome. Also called: Neoplastic Syndromes, Hereditary; Tumor predisposition; Hereditary neoplastic syndrome; Hereditary Cancer Syndrome. Identifiers: Orphanet 140162, MedGen C0027672, MeSH D009386, MONDO:0015356.

Submission:

Ambry Genetics
Classification: Uncertain significance for Hereditary cancer-predisposing syndrome. Last evaluated: 2024-02-20. Review status: criteria provided, single submitter. Criteria: Ambry Variant Classification Scheme 2023. Collection method: clinical testing. Allele origin: germline.
Comment: The p.L114P variant (also known as c.341T>C), located in coding exon 4 of the PMS2 gene, results from a T to C substitution at nucleotide position 341. The leucine at codon 114 is replaced by proline, an amino acid with similar properties. This amino acid position is conserved. In addition, this alteration is predicted to be deleterious by in silico analysis. Based on the available evidence, the clinical significance of this alteration remains unclear.